The following is an entry in ClinVar:

ClinVar aggregate classification (germline): Uncertain significance (1 of 4 stars; one submission).

Submission:

Labcorp Genetics (formerly Invitae), Labcorp
Classification: Uncertain significance. Last evaluated: 2025-02-24. Review status: criteria provided, single submitter. Criteria: Invitae Variant Classification Sherloc (09022015). Collection method: clinical testing. Allele origin: germline.
Comment: This sequence change replaces leucine, which is neutral and non-polar, with phenylalanine, which is neutral and non-polar, at codon 786 of the CSF1R protein (p.Leu786Phe). This variant is not present in population databases (gnomAD no frequency). This variant has not been reported in the literature in individuals affected with CSF1R-related conditions. Invitae Evidence Modeling of protein sequence and biophysical properties (such as structural, functional, and spatial information, amino acid conservation, physicochemical variation, residue mobility, and thermodynamic stability) indicates that this missense variant is not expected to disrupt CSF1R protein function with a negative predictive value of 95%. In summary, the available evidence is currently insufficient to determine the role of this variant in disease. Therefore, it has been classified as a Variant of Uncertain Significance.

NM_001288705.3(CSF1R):c.2358G>C (p.Leu786Phe)

Gene: CSF1R (colony stimulating factor 1 receptor; minus strand). Cytogenetic location: 5q32.
Variant type: single nucleotide variant.
Coding change: c.2358G>C on transcript NM_001288705.3 (MANE Select); coding-DNA position 2358, G replaced by C.
Protein change: p.Leu786Phe; replaces leucine 786 with phenylalanine.
Molecular consequence: missense variant. On other transcripts: non-coding transcript variant (2).
Genome position (GRCh38, 1-based): chr5:150,056,303, C>G on the plus strand (G>C on the coding strand, the complement: CSF1R is on the minus strand). VCF-style: chr5-150056303-C-G. GRCh37 (hg19) VCF-style: chr5-149435866-C-G.
Other names: c.2358G>C, p.Leu786Phe (NM_001349736.2, NM_001375320.1, NM_005211.4); c.1914G>C, p.Leu638Phe (NM_001375321.1); short protein forms L638F, L786F.
Identifiers: ClinVar variation 4801553 (VCV004801553.1).